The following is an entry in ClinVar:

NM_178822.5(IGSF10):c.3541C>T (p.Leu1181Phe)

Gene: IGSF10 (immunoglobulin superfamily member 10; minus strand). Cytogenetic location: 3q25.1.
Variant type: single nucleotide variant.
Coding change: c.3541C>T on transcript NM_178822.5 (MANE Select); coding-DNA position 3541, C replaced by T.
Protein change: p.Leu1181Phe; replaces leucine 1181 with phenylalanine.
Molecular consequence: missense variant.
Genome position (GRCh38, 1-based): chr3:151,446,440, G>A on the plus strand (C>T on the coding strand, the complement: IGSF10 is on the minus strand). VCF-style: chr3-151446440-G-A. GRCh37 (hg19) VCF-style: chr3-151164228-G-A.
Other names: c.3541C>T, p.Leu1181Phe (NM_001385060.1, NM_001385061.1, NM_001385062.1 and 1 more transcripts); short protein forms L1181F.
Identifiers: ClinVar variation 3694340 (VCV003694340.2).

ClinVar aggregate classification (germline): Uncertain significance (1 of 4 stars; one submission).

gnomAD v4.1: 14 of 1,614,120 alleles (0.00087%); highest among the groups gnomAD compares: South Asian, 0.0022%; no homozygotes.

Submission:

Labcorp Genetics (formerly Invitae), Labcorp
Classification: Uncertain significance. Last evaluated: 2024-08-13. Review status: criteria provided, single submitter. Criteria: Invitae Variant Classification Sherloc (09022015). Collection method: clinical testing. Allele origin: germline.
Comment: This sequence change replaces leucine, which is neutral and non-polar, with phenylalanine, which is neutral and non-polar, at codon 1181 of the IGSF10 protein (p.Leu1181Phe). This variant is not present in population databases (gnomAD no frequency). This variant has not been reported in the literature in individuals affected with IGSF10-related conditions. An algorithm developed to predict the effect of missense changes on protein structure and function (PolyPhen-2) suggests that this variant is likely to be disruptive. In summary, the available evidence is currently insufficient to determine the role of this variant in disease. Therefore, it has been classified as a Variant of Uncertain Significance.